The following is an entry in ClinVar:

ClinVar aggregate classification (germline): Benign/Likely benign. Review status: criteria provided, multiple submitters, no conflicts (2 of 4 stars). 10 submissions from 10 submitters: Benign (4); Likely benign (5). 1 of the submissions does not count toward it. Last evaluated 2026-04-01.

Conditions:
LAMA2-related disorder. Also called: LAMA2-related condition; LAMA2-related disorders.
Inborn genetic diseases. Identifiers: MedGen C0950123, MeSH D030342.
LAMA2-related muscular dystrophy (LAMA2-RD). Also called: Laminin alpha 2-related dystrophy. Identifiers: MedGen C5679788, MONDO:0100228.

Allele frequency attached by ClinVar (database versions not stated): gnomAD exomes 0.00028 and 0.00078; ExAC 0.00090; 1000 Genomes Project 0.00180; 1000 Genomes Project 30x 0.00187; gnomAD 0.00285 and 0.00314; ESP Exome Variant Server 0.00315; TOPMed 0.00355.
gnomAD v4.1: 859 of 1,613,834 alleles (0.053%); highest among the groups gnomAD compares: African/African-American, 1%; 5 homozygotes.

Submissions (10):

CeGaT Center for Human Genetics Tuebingen
Classification: Likely benign. Last evaluated: 2026-04-01. Review status: criteria provided, single submitter. Criteria: CeGaT Center For Human Genetics Tuebingen Variant Classification Criteria Version 2. Collection method: clinical testing. Allele origin: germline. Affected: yes. Observed: 1 variant allele.
Comment: LAMA2: BP4, BS1

Labcorp Genetics (formerly Invitae), Labcorp
Classification: Benign for LAMA2-related muscular dystrophy. Last evaluated: 2026-01-25. Review status: criteria provided, single submitter. Criteria: Invitae Variant Classification Sherloc (09022015). Collection method: clinical testing. Allele origin: germline.

Mayo Clinic Laboratories, Mayo Clinic
Classification: Benign. Last evaluated: 2025-10-06. Review status: criteria provided, single submitter. Criteria: ACMG Guidelines, 2015. Collection method: clinical testing. Allele origin: germline. Observed: 11 variant alleles.
Comment: BS1, BS2, BP4_moderate

Blueprint Genetics
Classification: Likely benign. Last evaluated: 2024-10-18. Review status: criteria provided, single submitter. Criteria: ACMG Guidelines, 2015. Collection method: clinical testing. Allele origin: germline.

Ambry Genetics
Classification: Likely benign for Inborn genetic diseases. Last evaluated: 2022-04-25. Review status: criteria provided, single submitter. Criteria: Ambry Variant Classification Scheme 2023. Collection method: clinical testing. Allele origin: germline.

Athena Diagnostics
Classification: Benign. Last evaluated: 2019-01-16. Review status: criteria provided, single submitter. Criteria: Athena Diagnostics Criteria. Collection method: clinical testing. Allele origin: germline.

GeneDx
Classification: Benign. Last evaluated: 2018-09-14. Review status: criteria provided, single submitter. Criteria: GeneDx Variant Classification Process June 2021. Collection method: clinical testing. Allele origin: germline. Affected: yes.

Center for Pediatric Genomic Medicine, Children's Mercy Hospital and Clinics
Classification: Likely benign. Last evaluated: 2015-09-28. Review status: criteria provided, single submitter. Criteria: ACMG Guidelines, 2015. Collection method: clinical testing. Allele origin: germline.
ClinVar note: Converted during submission from Likely Benign to Likely benign.

Breakthrough Genomics
Classification: Likely benign. Review status: criteria provided, single submitter. Criteria: ACMG Guidelines, 2015. Collection method: not provided. Allele origin: germline. Inheritance: Autosomal recessive inheritance. Affected: yes.

PreventionGenetics, part of Exact Sciences
Classification: Benign for LAMA2-related condition. Last evaluated: 2019-06-11. Review status: no assertion criteria provided. Collection method: clinical testing. Allele origin: germline. Not counted in ClinVar's aggregate classification.
Comment: This variant is classified as benign based on ACMG/AMP sequence variant interpretation guidelines (Richards et al. 2015 PMID: 25741868, with internal and published modifications).

NM_000426.4(LAMA2):c.5909G>C (p.Cys1970Ser)

Gene: LAMA2 (laminin subunit alpha 2; plus strand). Cytogenetic location: 6q22.33.
Variant type: single nucleotide variant.
Coding change: c.5909G>C on transcript NM_000426.4 (MANE Select); coding-DNA position 5909, G replaced by C.
Protein change: p.Cys1970Ser; replaces cysteine 1970 with serine.
Molecular consequence: missense variant.
Genome position (GRCh38, 1-based): chr6:129,427,795, G>C. VCF-style: chr6-129427795-G-C. GRCh37 (hg19) VCF-style: chr6-129748940-G-C.
Other names: c.5909G>C, p.Cys1970Ser (NM_001079823.2); short protein forms C1970S.
Identifiers: ClinVar variation 235524 (VCV000235524.25), dbSNP rs148451013, ClinGen allele CA3994028.